The following is an entry in ClinVar:

NM_138393.4(REEP6):c.478G>A (p.Gly160Arg)

Gene: REEP6 (receptor accessory protein 6; plus strand). Cytogenetic location: 19p13.3.
Variant type: single nucleotide variant.
Coding change: c.478G>A on transcript NM_138393.4 (MANE Select); coding-DNA position 478, G replaced by A.
Protein change: p.Gly160Arg; replaces glycine 160 with arginine.
Molecular consequence: missense variant.
Genome position (GRCh38, 1-based): chr19:1,496,414, G>A. VCF-style: chr19-1496414-G-A. GRCh37 (hg19) VCF-style: chr19-1496413-G-A.
Other names: c.478G>A, p.Gly160Arg (NM_001329556.3); short protein forms G160R.
Identifiers: ClinVar variation 1508893 (VCV001508893.6), dbSNP rs762749014, ClinGen allele CA402994179.

ClinVar aggregate classification (germline): Uncertain significance (1 of 4 stars; one submission).

Submission:

Labcorp Genetics (formerly Invitae), Labcorp
Classification: Uncertain significance. Last evaluated: 2022-11-01. Review status: criteria provided, single submitter. Criteria: Invitae Variant Classification Sherloc (09022015). Collection method: clinical testing. Allele origin: germline.
Comment: This sequence change replaces glycine, which is neutral and non-polar, with arginine, which is basic and polar, at codon 160 of the REEP6 protein (p.Gly160Arg). This variant is not present in population databases (gnomAD no frequency). This variant has not been reported in the literature in individuals affected with REEP6-related conditions. ClinVar contains an entry for this variant (Variation ID: 1508893). Experimental studies and prediction algorithms are not available or were not evaluated, and the functional significance of this variant is currently unknown. In summary, the available evidence is currently insufficient to determine the role of this variant in disease. Therefore, it has been classified as a Variant of Uncertain Significance.